The following is an entry in ClinVar:

NM_003489.4(NRIP1):c.494G>A (p.Ser165Asn)

Gene: NRIP1 (nuclear receptor interacting protein 1; minus strand). Cytogenetic location: 21q11.2.
Variant type: single nucleotide variant.
Coding change: c.494G>A on transcript NM_003489.4 (MANE Select); coding-DNA position 494, G replaced by A.
Protein change: p.Ser165Asn; replaces serine 165 with asparagine.
Molecular consequence: missense variant.
Genome position (GRCh38, 1-based): chr21:14,967,699, C>T on the plus strand (G>A on the coding strand, the complement: NRIP1 is on the minus strand). VCF-style: chr21-14967699-C-T. GRCh37 (hg19) VCF-style: chr21-16340020-C-T.
Other names: c.494G>A (NM_003489.3); short protein forms S165N.
Identifiers: ClinVar variation 2883863 (VCV002883863.5), dbSNP rs576747356, ClinGen allele CA9981483.
Genomic context (GRCh38, chr21:14,967,699, plus strand): 5'-AAGTGACTTGATGCAACACCATAGCACCTTAAATCCTTCTCCACTTTTAAAGAATCATGA[C>T]TGAGGGCATATCCTTGCTCCTTGAGGCTCTGCCTGATTTGTTGTGACAGAGCAACAGTCT-3'
Protein context (NP_003480.2, residues 155-175): QSLKEQGYAL[Ser165Asn]HDSLKVEKDL

ClinVar aggregate classification (germline): Likely benign. Review status: criteria provided, single submitter (1 of 4 stars). 2 submissions from 2 submitters: Likely benign (1). 1 of the submissions does not count toward it. Last evaluated 2025-12-21.

Conditions:
NRIP1-related disorder. Also called: NRIP1-related condition.

Allele frequency attached by ClinVar (database versions not stated): gnomAD 0.00020; 1000 Genomes Project 30x 0.00062; TOPMed 0.00005; gnomAD exomes 0.00032; ExAC 0.00072; 1000 Genomes Project 0.00080.
gnomAD v4.1: 494 of 1,614,136 alleles (0.031%); highest among the groups gnomAD compares: South Asian, 0.49%; 8 homozygotes.

Submissions (2):

Labcorp Genetics (formerly Invitae), Labcorp
Classification: Likely benign. Last evaluated: 2025-12-21. Review status: criteria provided, single submitter. Criteria: Invitae Variant Classification Sherloc (09022015). Collection method: clinical testing. Allele origin: germline.

PreventionGenetics, part of Exact Sciences
Classification: Benign for NRIP1-related condition. Last evaluated: 2020-04-24. Review status: no assertion criteria provided. Collection method: clinical testing. Allele origin: germline. Not counted in ClinVar's aggregate classification.
Comment: This variant is classified as benign based on ACMG/AMP sequence variant interpretation guidelines (Richards et al. 2015 PMID: 25741868, with internal and published modifications).